The following is an entry in ClinVar:

ClinVar aggregate classification (germline): Uncertain significance (1 of 4 stars; one submission).

Conditions:
Retinoblastoma (RB1). Also called: RETINOBLASTOMA, SOMATIC. Identifiers: Orphanet 790, MedGen C0035335, MeSH D012175, MONDO:0008380, OMIM 180200, HP:0009919. Disease mechanism: loss of function. Inheritance: Both sporadic and heritable forms are tested..

Submission:

Labcorp Genetics (formerly Invitae), Labcorp
Classification: Uncertain significance for Retinoblastoma. Last evaluated: 2024-02-09. Review status: criteria provided, single submitter. Criteria: Invitae Variant Classification Sherloc (09022015). Collection method: clinical testing. Allele origin: germline.
Comment: This sequence change replaces glutamic acid, which is acidic and polar, with lysine, which is basic and polar, at codon 31 of the RB1 protein (p.Glu31Lys). This variant is not present in population databases (gnomAD no frequency). This variant has not been reported in the literature in individuals affected with RB1-related conditions. Advanced modeling of protein sequence and biophysical properties (such as structural, functional, and spatial information, amino acid conservation, physicochemical variation, residue mobility, and thermodynamic stability) has been performed at Invitae for this missense variant, however the output from this modeling did not meet the statistical confidence thresholds required to predict the impact of this variant on RB1 protein function. In summary, the available evidence is currently insufficient to determine the role of this variant in disease. Therefore, it has been classified as a Variant of Uncertain Significance.

NM_000321.3(RB1):c.91G>A (p.Glu31Lys)

Gene: RB1 (RB transcriptional corepressor 1; plus strand). Cytogenetic location: 13q14.2.
Variant type: single nucleotide variant.
Coding change: c.91G>A on transcript NM_000321.3 (MANE Select); coding-DNA position 91, G replaced by A.
Protein change: p.Glu31Lys; replaces glutamic acid 31 with lysine.
Molecular consequence: missense variant.
Genome position (GRCh38, 1-based): chr13:48,304,003, G>A. VCF-style: chr13-48304003-G-A. GRCh37 (hg19) VCF-style: chr13-48878139-G-A.
Other names: c.91G>A, p.Glu31Lys (NM_001407165.1, NM_001407166.1, NM_001407167.1); short protein forms E31K.
Identifiers: ClinVar variation 3623004 (VCV003623004.2).